The following is an entry in ClinVar:

ClinVar aggregate classification (germline): Likely benign (1 of 4 stars; one submission).

Conditions:
Hereditary diffuse gastric adenocarcinoma (HDGC). Also called: DIFFUSE GASTRIC AND LOBULAR BREAST CANCER SYNDROME. Identifiers: Orphanet 26106, MedGen C1708349, MONDO:0007648, OMIM 137215.

gnomAD v4.1: 1 of 1,614,136 alleles (0.000062%); highest among the groups gnomAD compares: Non-Finnish European, 0.000085%; no homozygotes.

Submission:

Myriad Genetics, Inc.
Classification: Likely benign for Hereditary diffuse gastric adenocarcinoma. Last evaluated: 2024-09-12. Review status: criteria provided, single submitter. Criteria: Myriad Autosomal Dominant, Autosomal Recessive and X-Linked Classification Criteria (2023). Collection method: clinical testing. Allele origin: unknown.
Comment: This variant is considered likely benign. This variant is intronic and is not expected to impact mRNA splicing.

NM_004360.5(CDH1):c.388-16T>C

Gene: CDH1 (cadherin 1; plus strand). Cytogenetic location: 16q22.1.
Variant type: single nucleotide variant.
Coding change: c.388-16T>C on transcript NM_004360.5 (MANE Select); 16 bases into the intron before coding-DNA position 388, T replaced by C.
Molecular consequence: intron variant.
Genome position (GRCh38, 1-based): chr16:68,808,408, T>C. VCF-style: chr16-68808408-T-C. GRCh37 (hg19) VCF-style: chr16-68842311-T-C.
Other names: c.-1228-16T>C (NM_001317185.2); c.-1432-16T>C (NM_001317186.2); c.388-16T>C (NM_001317184.2).
Identifiers: ClinVar variation 3378496 (VCV003378496.1).